The following is an entry in ClinVar:

ClinVar aggregate classification (germline): Likely benign. Review status: criteria provided, multiple submitters, no conflicts (2 of 4 stars). 3 submissions from 3 submitters: Likely benign (2). 1 of the submissions does not count toward it. Last evaluated 2026-02-01.

Conditions:
Greig cephalopolysyndactyly syndrome (GCPS). Also called: POLYSYNDACTYLY WITH PECULIAR SKULL SHAPE; Greig syndrome; GLI3-Related Greig Cephalopolysyndactyly Syndrome. Identifiers: Orphanet 380, MedGen C0265306, MONDO:0008287, OMIM 175700.
Pallister-Hall syndrome (PHS). Also called: HYPOTHALAMIC HAMARTOBLASTOMA, HYPOPITUITARISM, IMPERFORATE ANUS, AND POSTAXIAL POLYDACTYLY; GLI3-Related Pallister-Hall Syndrome. Identifiers: Orphanet 672, MedGen C0265220, MONDO:0007804, OMIM 146510.
Polysyndactyly 4. Also called: Polysyndactyly uncomplicated; Preaxial polydactyly 4. Identifiers: Orphanet 93338, MedGen C1868111, MONDO:0008272, OMIM 174700.
Polydactyly, postaxial, type A1. Identifiers: MedGen C4282400, MONDO:0008266, OMIM 174200.
GLI3-related disorder. Also called: GLI3-related condition; GLI3-related disorders. Identifiers: MedGen CN239292.

Allele frequency attached by ClinVar (database versions not stated): ExAC 0.00002; gnomAD 0.00004; gnomAD exomes 0.00006; TOPMed 0.00006.
gnomAD v4.1: 100 of 1,614,022 alleles (0.0062%); highest among the groups gnomAD compares: Non-Finnish European, 0.0079%; no homozygotes.

Submissions (3):

CeGaT Center for Human Genetics Tuebingen
Classification: Likely benign. Last evaluated: 2026-02-01. Review status: criteria provided, single submitter. Criteria: CeGaT Center For Human Genetics Tuebingen Variant Classification Criteria Version 2. Collection method: clinical testing. Allele origin: germline. Affected: yes. Observed: 1 variant allele.
Comment: GLI3: BP4, BP7

Fulgent Genetics
Classification: Likely benign for Pallister-Hall syndrome; Polydactyly, postaxial, type A1; Polysyndactyly 4; Greig cephalopolysyndactyly syndrome. Last evaluated: 2024-03-19. Review status: criteria provided, single submitter. Criteria: ACMG Guidelines, 2015. Collection method: clinical testing. Allele origin: germline.

PreventionGenetics, part of Exact Sciences
Classification: Likely benign for GLI3-related condition. Last evaluated: 2021-09-28. Review status: no assertion criteria provided. Collection method: clinical testing. Allele origin: germline. Not counted in ClinVar's aggregate classification.
Comment: This variant is classified as likely benign based on ACMG/AMP sequence variant interpretation guidelines (Richards et al. 2015 PMID: 25741868, with internal and published modifications).

NM_000168.6(GLI3):c.4731A>G (p.Ala1577=)

Gene: GLI3 (GLI family zinc finger 3; minus strand). Cytogenetic location: 7p14.1.
Variant type: single nucleotide variant.
Coding change: c.4731A>G on transcript NM_000168.6 (MANE Select); coding-DNA position 4731, A replaced by G.
Protein change: p.Ala1577=; no amino-acid change (alanine 1577 retained).
Molecular consequence: synonymous variant.
Genome position (GRCh38, 1-based): chr7:41,964,342, T>C on the plus strand (A>G on the coding strand, the complement: GLI3 is on the minus strand). VCF-style: chr7-41964342-T-C. GRCh37 (hg19) VCF-style: chr7-42003940-T-C.
Identifiers: ClinVar variation 3029845 (VCV003029845.7), dbSNP rs750622081, ClinGen allele CA4230064.
Genomic context (GRCh38, chr7:41,964,342, plus strand): 5'-TTCAACTCCTATTGATTTCCGTTGGTTGCAGTCTTTTTTTCCTAAAGCCTATTGCATAAC[T>C]GCAAGGAATTTGCTTTCTTCCGCTAGGGAGGTCAGCAAAGAACTCATGTCCCCGATAGCC-3'
Protein context (NP_000159.3, residues 1567-1580): TSLAEESKFL[Ala1577=]VMQ